The following is an entry in ClinVar:

GRCh37/hg19 15q13.1-13.3(chr15:28540415-32446830)x1

Genes: APBA2 (amyloid beta precursor protein binding family A member 2; plus strand), ARHGAP11B (Rho GTPase activating protein 11B), CHRFAM7A (CHRNA7 (exons 5-10) and FAM7A (exons A-E) fusion; minus strand), CHRNA7 (cholinergic receptor nicotinic alpha 7 subunit), ENTREP2 (endosomal transmembrane epsin interactor 2; minus strand) and 12 more. Cytogenetic location: 15q13.1-13.3.
Variant type: copy number loss.
Change: copy number 1 (one copy instead of two) of chr15:28,540,415-32,446,830 (3.91 Mb, GRCh37 coordinates, 1-based), cytogenetic band 15q13.1-13.3.
Identifiers: ClinVar variation 1808704 (VCV001808704.1).

ClinVar aggregate classification (germline): Pathogenic (1 of 4 stars; one submission).

Submission:

Quest Diagnostics Nichols Institute San Juan Capistrano
Classification: Pathogenic. Last evaluated: 2022-06-16. Review status: criteria provided, single submitter. Criteria: ACMG/ClinGen CNV Guidelines, 2019. Collection method: clinical testing. Allele origin: unknown.
Comment: This deletion encompasses the recurrent deletion interval (15q13.3 recurrent region (BP4-BP5) including CHRNA7) associated with chromosome 15q13.3 deletion syndrome (OMIM 612001). The syndrome is associated with a broad range of clinical features including developmental delay, intellectual disability, autism spectrum disorder, facial dysmorphism, seizures, and neuropsychiatric and neurological disease. Collective penetrance of one or more of these features is high and may approach 80%. A recent report suggests this microdeletion syndrome has a prevalence of 1/5525, which is higher than previously estimated (Gillentine et al., J Hum Genet. 2018 Jul;63(7):795-801., PMID: 29691480). The majority of the deletions are inherited, most often maternally (Lowther et al., Genet Med. 2015 Feb;17(2):149-57. PMID: 25077648; Sharp, et. al, Nat Genet. 2008 Mar;40(3):322-8. PMID: 18278044; Hassfurther et al., Mol Syndromol. 2016 Feb;6(5):222-8. PMID: 26997942). Of note: the specific critical genes for every aspect of the 15q13.3 microdeletion phenotype are still under investigation, although CHRNA7 appears to be a top candidate gene for the neuropsychiatric manifestations (Gillentine et al., Biochem Pharmacol. 2015 Oct 15;97(4):352-62.PMID: 26095975; Hoppman-Chaney et al., Clin Genet. 2013 Apr;83(4):345-51., PMID: 22775350). Inheritance from a normal or mildly affected parent has been reported, suggesting incomplete penetrance and variable expressivity. See GeneReviews for additional information and references. Please expect the results of any other concurrent study in a separate report.